The following is an entry in ClinVar:

NM_005235.3(ERBB4):c.506A>G (p.Asn169Ser)

Gene: ERBB4 (erb-b2 receptor tyrosine kinase 4; minus strand). Cytogenetic location: 2q34.
Variant type: single nucleotide variant.
Coding change: c.506A>G on transcript NM_005235.3 (MANE Select); coding-DNA position 506, A replaced by G.
Protein change: p.Asn169Ser; replaces asparagine 169 with serine.
Molecular consequence: missense variant.
Genome position (GRCh38, 1-based): chr2:211,788,075, T>C on the plus strand (A>G on the coding strand, the complement: ERBB4 is on the minus strand). VCF-style: chr2-211788075-T-C. GRCh37 (hg19) VCF-style: chr2-212652800-T-C.
Other names: c.506A>G, p.Asn169Ser (NM_001042599.2); short protein forms N169S.
Identifiers: ClinVar variation 1960479 (VCV001960479.5), dbSNP rs755189072, ClinGen allele CA2088420.
Genomic context (GRCh38, chr2:211,788,075, plus strand): 5'-TTCTACTTACATCCTGAACTACCATTTGTTGACACAAGAGTCAAGTTGGAAGGCCATGGG[T>C]TCCGAACAATATCTTGCCAATGAATGGTGTCTGCATAACAAAGGAATTTGTTCTGGTCTA-3'
Protein context (NP_005226.1, residues 159-179): DTIHWQDIVR[Asn169Ser]PWPSNLTLVS

ClinVar aggregate classification (germline): Uncertain significance (1 of 4 stars; one submission).

Allele frequency attached by ClinVar (database versions not stated): gnomAD exomes below 0.00001; ExAC 0.00001.
gnomAD v4.1: 1 of 1,613,370 alleles (0.000062%); highest among the groups gnomAD compares: South Asian, 0.0011%; no homozygotes.

Submission:

Labcorp Genetics (formerly Invitae), Labcorp
Classification: Uncertain significance. Last evaluated: 2022-10-07. Review status: criteria provided, single submitter. Criteria: Invitae Variant Classification Sherloc (09022015). Collection method: clinical testing. Allele origin: germline.
Comment: This sequence change replaces asparagine, which is neutral and polar, with serine, which is neutral and polar, at codon 169 of the ERBB4 protein (p.Asn169Ser). This variant is present in population databases (rs755189072, gnomAD 0.003%). This variant has not been reported in the literature in individuals affected with ERBB4-related conditions. Advanced modeling of protein sequence and biophysical properties (such as structural, functional, and spatial information, amino acid conservation, physicochemical variation, residue mobility, and thermodynamic stability) performed at Invitae indicates that this missense variant is not expected to disrupt ERBB4 protein function. In summary, the available evidence is currently insufficient to determine the role of this variant in disease. Therefore, it has been classified as a Variant of Uncertain Significance.